The following is an entry in ClinVar:

ClinVar aggregate classification (germline): Uncertain significance (1 of 4 stars; one submission).

Conditions:
Nephrotic syndrome, type 3 (NPHS3). Also called: NEPHROTIC SYNDROME, EARLY-ONSET, TYPE 3. Identifiers: Orphanet 656, MedGen C1853124, MONDO:0012546, OMIM 610725.

Allele frequency attached by ClinVar (database versions not stated): gnomAD 0.00002; gnomAD exomes 0.00003; TOPMed 0.00004; ExAC 0.00007.
gnomAD v4.1: 55 of 1,612,656 alleles (0.0034%); highest among the groups gnomAD compares: East Asian, 0.036%; no homozygotes.

Submission:

Victorian Clinical Genetics Services, Murdoch Childrens Research Institute
Classification: Uncertain significance for Nephrotic syndrome, type 3. Last evaluated: 2020-05-25. Review status: criteria provided, single submitter. Criteria: ACMG Guidelines, 2015. Collection method: clinical testing. Allele origin: germline. Inheritance: Autosomal recessive inheritance.
Comment: A heterozygous splice site variant was identified, NM_016341.3(PLCE1):c.3096+5G>A in intron 8 of the PLCE1 gene. This substitution is predicted to cause aberrant splicing of exon 9 in the PLCE1 gene, affecting protein function; further testing via RNA studies are required to confirm if splicing is altered. The nucleotide at this position has high conservation (PhyloP UCSC). In silico software does not predict an effect on splicing (NetGene2, Fruit fly). The variant is present in the gnomAD population database at a global population frequency of 0.004% (10 heterozygotes, 0 homozygotes) with an East Asian sub-population frequency of 0.05%. It has not been previously observed in clinical cases. Based on information available at the time of curation, this variant has been classified as a VUS.

NM_016341.4(PLCE1):c.3096+5G>A

Gene: PLCE1 (phospholipase C epsilon 1; plus strand). Cytogenetic location: 10q23.33.
Variant type: single nucleotide variant.
Coding change: c.3096+5G>A on transcript NM_016341.4 (MANE Select); 5 bases into the intron after coding-DNA position 3096, G replaced by A.
Molecular consequence: intron variant.
Genome position (GRCh38, 1-based): chr10:94,246,626, G>A. VCF-style: chr10-94246626-G-A. GRCh37 (hg19) VCF-style: chr10-96006383-G-A.
Other names: c.3096+5G>A (NM_001288989.2); c.2172+5G>A (NM_001165979.2).
Identifiers: ClinVar variation 1805261 (VCV001805261.1), dbSNP rs751784043, ClinGen allele CA5612763.